The following is an entry in ClinVar:

NM_001166108.2(PALLD):c.2354A>C (p.Asp785Ala)

Genes: CBR4 (carbonyl reductase 4; minus strand), PALLD (palladin, cytoskeletal associated protein; plus strand). Cytogenetic location: 4q32.3.
Variant type: single nucleotide variant.
Coding change: c.2354A>C on transcript NM_001166108.2 (MANE Select); coding-DNA position 2354, A replaced by C.
Protein change: p.Asp785Ala; replaces aspartic acid 785 with alanine.
Molecular consequence: missense variant.
Genome position (GRCh38, 1-based): chr4:168,898,596, A>C. VCF-style: chr4-168898596-A-C. GRCh37 (hg19) VCF-style: chr4-169819747-A-C.
Other names: c.1157A>C, p.Asp386Ala (NM_001166109.2); c.842A>C, p.Asp281Ala (NM_001166110.2); c.182A>C, p.Asp61Ala (NM_001367567.1, NM_001367569.1); c.233A>C, p.Asp78Ala (NM_001367568.1, NM_001367570.1); c.2303A>C, p.Asp768Ala (NM_016081.4); short protein forms D61A, D785A, D386A, D768A, D281A, D78A.
Identifiers: ClinVar variation 1789316 (VCV001789316.2), dbSNP rs2533734020, ClinGen allele CA358798924.
Genomic context (GRCh38, chr4:168,898,596, plus strand): 5'-TAGAGTACAGGCTAGAAAGGTCTCCTGTGGATGAATCAGGTGATGAAGTTCAGTATGGAG[A>C]TGTGCCTGTGGAAAATGGAATGGCACCATTCTTTGAGATGAAGCTGAAACATTACAAGAT-3'
Protein context (NP_001159580.1, residues 775-795): DESGDEVQYG[Asp785Ala]VPVENGMAPF

ClinVar aggregate classification (germline): Uncertain significance (1 of 4 stars; one submission).

Submission:

Ambry Genetics
Classification: Uncertain significance. Last evaluated: 2022-06-15. Review status: criteria provided, single submitter. Criteria: Ambry Variant Classification Scheme 2023. Collection method: clinical testing. Allele origin: germline.
Comment: The p.D768A variant (also known as c.2303A>C), located in coding exon 12 of the PALLD gene, results from an A to C substitution at nucleotide position 2303. The aspartic acid at codon 768 is replaced by alanine, an amino acid with dissimilar properties. This amino acid position is conserved. In addition, the in silico prediction for this alteration is inconclusive. Since supporting evidence is limited at this time, the clinical significance of this alteration remains unclear.